The following is an entry in ClinVar:

NM_020975.6(RET):c.2398C>T (p.Leu800Phe)

Gene: RET (ret proto-oncogene; plus strand). Cytogenetic location: 10q11.21.
Variant type: single nucleotide variant.
Coding change: c.2398C>T on transcript NM_020975.6 (MANE Select); coding-DNA position 2398, C replaced by T.
Protein change: p.Leu800Phe; replaces leucine 800 with phenylalanine.
Molecular consequence: missense variant.
Genome position (GRCh38, 1-based): chr10:43,119,536, C>T. VCF-style: chr10-43119536-C-T. GRCh37 (hg19) VCF-style: chr10-43614984-C-T.
Other names: c.2269C>T, p.Leu757Phe (NM_001406761.1, NM_001406762.1, NM_001406764.1); c.2263C>T, p.Leu755Phe (NM_001406763.1, NM_001406765.1); c.2110C>T, p.Leu704Phe (NM_001406766.1, NM_001406767.1, NM_001406770.1); c.2134C>T, p.Leu712Phe (NM_001406768.1); c.2002C>T, p.Leu668Phe (NM_001406769.1, NM_001406772.1); c.1501C>T, p.Leu501Phe (NM_001406780.1, NM_001406781.1, NM_001406782.1 and 1 more transcripts); c.1372C>T, p.Leu458Phe (NM_001406783.1, NM_001406786.1); c.1408C>T, p.Leu470Phe (NM_001406784.1); and 10 more; short protein forms L405F, L456F, L461F, L755F, L757F, L458F, L501F, L558F.
Identifiers: ClinVar variation 5028213 (VCV005028213.1).

ClinVar aggregate classification (germline): Uncertain significance (1 of 4 stars; one submission).

Conditions:
Hereditary cancer-predisposing syndrome. Also called: Neoplastic Syndromes, Hereditary; Tumor predisposition; Hereditary neoplastic syndrome; Hereditary Cancer Syndrome. Identifiers: Orphanet 140162, MedGen C0027672, MeSH D009386, MONDO:0015356.

Submission:

Ambry Genetics
Classification: Uncertain significance for Hereditary cancer-predisposing syndrome. Last evaluated: 2026-08-25. Review status: criteria provided, single submitter. Criteria: Ambry Variant Classification Scheme 2023. Collection method: clinical testing. Allele origin: germline.
Comment: The p.L800F variant (also known as c.2398C>T), located in coding exon 14 of the RET gene, results from a C to T substitution at nucleotide position 2398. The leucine at codon 800 is replaced by phenylalanine, an amino acid with highly similar properties. This amino acid position is conserved. In addition, this alteration is predicted to be deleterious by in silico analysis. Based on the available evidence, the clinical significance of this variant remains unclear.